The following is an entry in ClinVar:

ClinVar aggregate classification (germline): Uncertain significance (1 of 4 stars; one submission).

Submission:

Labcorp Genetics (formerly Invitae), Labcorp
Classification: Uncertain significance. Last evaluated: 2026-01-08. Review status: criteria provided, single submitter. Criteria: Invitae Variant Classification Sherloc (09022015). Collection method: clinical testing. Allele origin: germline.
Comment: This variant, c.1555_1557del, results in the deletion of 1 amino acid(s) of the TCF3 protein (p.Lys519del), but otherwise preserves the integrity of the reading frame. This variant is present in population databases (rs745997653, gnomAD 0.02%). This variant has not been reported in the literature in individuals affected with TCF3-related conditions. Experimental studies and prediction algorithms are not available or were not evaluated, and the functional significance of this variant is currently unknown. In summary, the available evidence is currently insufficient to determine the role of this variant in disease. Therefore, it has been classified as a Variant of Uncertain Significance.

NM_003200.5(TCF3):c.1552AAG[1] (p.Lys519del)

Gene: TCF3 (transcription factor 3; minus strand). Cytogenetic location: 19p13.3.
Variant type: Microsatellite.
Coding change: c.1552AAG[1] on transcript NM_003200.5 (MANE Select); one copy of the 3-base unit AAG starting at c.1552; the reference has two copies in a row; one copy, 3 bases deleted.
Protein change: p.Lys519del; deletes lysine 519.
Molecular consequence: inframe deletion.
Genome position (GRCh38, 1-based): chr19:1,615,715-1,615,717, CTT deleted on the plus strand (AAG on the coding strand, the reverse complement: TCF3 is on the minus strand); deleting any 3 consecutive bases within chr19:1,615,715-1,615,722 gives the same sequence; the position shown is the placement nearest the transcript's 3' end. VCF-style (leftmost placement, unchanged base first): chr19-1615714-CCTT-C. GRCh37 (hg19) VCF-style: chr19-1615713-CCTT-C.
Other names: c.1552AAG[1], p.Lys519del (NM_001136139.4, NM_001351779.2); c.1549AAG[1], p.Lys518del (NM_001351778.2); short protein forms K518del, K519del.
Identifiers: ClinVar variation 1428407 (VCV001428407.6), dbSNP rs745997653, ClinGen allele CA9049767.
Genomic context (GRCh38, chr19:1,615,714, plus strand): 5'-AGGGTGGGGAGTGCCGAGGGGTGGGTTGGCACCTGGTCCGGGCCCGGGGGGCCTTCAGCT[CCTT>C]CTTCTCCTCCTCCGAGTGGTCAGCCGCTGACGTGTTCTCCTCGTCCTCCTTCTCCTCCCG-3'